The following is an entry in ClinVar:

NM_000416.3(IFNGR1):c.260T>C (p.Ile87Thr)

Gene: IFNGR1 (interferon gamma receptor 1; minus strand). Cytogenetic location: 6q23.3.
Variant type: single nucleotide variant.
Coding change: c.260T>C on transcript NM_000416.3 (MANE Select); coding-DNA position 260, T replaced by C.
Protein change: p.Ile87Thr; replaces isoleucine 87 with threonine.
Molecular consequence: missense variant.
Genome position (GRCh38, 1-based): chr6:137,206,249, A>G on the plus strand (T>C on the coding strand, the complement: IFNGR1 is on the minus strand). VCF-style: chr6-137206249-A-G. GRCh37 (hg19) VCF-style: chr6-137527386-A-G.
Other names: c.230T>C, p.Ile77Thr (NM_001363526.1); c.137T>C, p.Ile46Thr (NM_001363527.1); short protein forms I87T, I46T, I77T.
Identifiers: ClinVar variation 17944 (VCV000017944.10), dbSNP rs104893973, ClinGen allele CA127599.

ClinVar aggregate classification (germline): Pathogenic/Likely pathogenic. Review status: criteria provided, multiple submitters, no conflicts (2 of 4 stars). 5 submissions from 4 submitters: Pathogenic (2); Likely pathogenic (1). 2 of the submissions do not count toward it. Last evaluated 2025-05-21.

Conditions:
IFNGR1-related disorder. Also called: IFNGR1-related condition.
Disseminated atypical mycobacterial infection. Identifiers: MedGen C0694566.
Immunodeficiency 27A (IMD27A). Also called: IMMUNODEFICIENCY 27A, MYCOBACTERIOSIS, AUTOSOMAL RECESSIVE; IFNGR1 DEFICIENCY, AUTOSOMAL RECESSIVE. Identifiers: Orphanet 319569, Orphanet 99898, MedGen C4011949, MONDO:0008856, OMIM 209950.
Mycobacterium tuberculosis, susceptibility to. Identifiers: MedGen C1834752, OMIM 607948.

Allele frequency attached by ClinVar (database versions not stated): gnomAD 0.00001 and 0.00002; gnomAD exomes 0.00001 and 0.00002; ExAC 0.00002; 1000 Genomes Project 30x 0.00016; 1000 Genomes Project 0.00020; TOPMed 0.00002.
gnomAD v4.1: 15 of 1,611,314 alleles (0.00093%); highest among the groups gnomAD compares: Admixed American, 0.0083%; no homozygotes.

Submissions (5):

Labcorp Genetics (formerly Invitae), Labcorp
Classification: Likely pathogenic for Disseminated atypical mycobacterial infection. Last evaluated: 2025-05-21. Review status: criteria provided, single submitter. Criteria: Invitae Variant Classification Sherloc (09022015). Collection method: clinical testing. Allele origin: germline.
Comment: This sequence change replaces isoleucine, which is neutral and non-polar, with threonine, which is neutral and polar, at codon 87 of the IFNGR1 protein (p.Ile87Thr). This variant is present in population databases (rs104893973, gnomAD 0.01%). This missense change has been observed in individuals with clinical features of autosomal recessive Mendelian susceptibility to mycobacterial disease (PMID: 9389728, 16195661, 21266457). It is commonly reported in individuals of European ancestry (PMID: 21266457). ClinVar contains an entry for this variant (Variation ID: 17944). Invitae Evidence Modeling of protein sequence and biophysical properties (such as structural, functional, and spatial information, amino acid conservation, physicochemical variation, residue mobility, and thermodynamic stability) has been performed for this missense variant. However, the output from this modeling did not meet the statistical confidence thresholds required to predict the impact of this variant on IFNGR1 protein function. Experimental studies have shown that this missense change affects IFNGR1 function (PMID: 20015550). In summary, the currently available evidence indicates that the variant is pathogenic, but additional data are needed to prove that conclusively. Therefore, this variant has been classified as Likely Pathogenic.

Blueprint Genetics
Classification: Pathogenic for IFNGR1-related disorders. Last evaluated: 2024-07-15. Review status: criteria provided, single submitter. Criteria: ACMG Guidelines, 2015. Collection method: clinical testing. Allele origin: germline. Affected: yes. Observed: 2 variant alleles.

Mendelics
Classification: Pathogenic for Immunodeficiency 27A. Last evaluated: 2022-05-04. Review status: criteria provided, single submitter. Criteria: Mendelics Assertion Criteria 2019. Collection method: clinical testing. Allele origin: germline.

OMIM
Classification: Pathogenic for IMMUNODEFICIENCY 27A. Last evaluated: 1997-12-01. Review status: no assertion criteria provided. Collection method: literature only. Allele origin: germline. Not counted in ClinVar's aggregate classification.

OMIM
Classification: risk factor for MYCOBACTERIUM TUBERCULOSIS, SUSCEPTIBILITY TO. Last evaluated: 1997-12-01. Review status: no assertion criteria provided. Collection method: literature only. Allele origin: germline. Not counted in ClinVar's aggregate classification.

Literature cited by the submitters: PubMed 9389728 (cited by Labcorp Genetics (formerly Invitae), Labcorp and OMIM); PubMed 16195661 (cited by Labcorp Genetics (formerly Invitae), Labcorp); PubMed 21266457 (cited by Labcorp Genetics (formerly Invitae), Labcorp); PubMed 20015550 (cited by Labcorp Genetics (formerly Invitae), Labcorp).